The following is an entry in ClinVar:

NM_145207.3(AFG2A):c.2233G>A (p.Val745Ile)

Gene: AFG2A (AAA ATPase AFG2A; plus strand). Cytogenetic location: 4q28.1.
Variant type: single nucleotide variant.
Coding change: c.2233G>A on transcript NM_145207.3 (MANE Select); coding-DNA position 2233, G replaced by A.
Protein change: p.Val745Ile; replaces valine 745 with isoleucine.
Molecular consequence: missense variant.
Genome position (GRCh38, 1-based): chr4:123,090,598, G>A. VCF-style: chr4-123090598-G-A. GRCh37 (hg19) VCF-style: chr4-124011753-G-A.
Other names: c.2230G>A, p.Val744Ile (NM_001345856.2); short protein forms V745I, V744I.
Identifiers: ClinVar variation 862411 (VCV000862411.32), dbSNP rs371305247, ClinGen allele CA105272376.

ClinVar aggregate classification (germline): Uncertain significance. Review status: criteria provided, multiple submitters, no conflicts (2 of 4 stars). 2 submissions from 2 submitters: Uncertain significance (2). Last evaluated 2023-12-18.

Conditions:
Microcephaly-intellectual disability-sensorineural hearing loss-epilepsy-abnormal muscle tone syndrome (NEDHSB). Also called: NEURODEVELOPMENTAL DISORDER WITH HEARING LOSS, SEIZURES, AND BRAIN ABNORMALITIES. Identifiers: Orphanet 457351, MedGen C4225276, MONDO:0014698, OMIM 616577.

Allele frequency attached by ClinVar (database versions not stated): gnomAD 0.00001; gnomAD exomes 0.00002; TOPMed 0.00002; ESP Exome Variant Server 0.00015.
gnomAD v4.1: 24 of 1,614,022 alleles (0.0015%); highest among the groups gnomAD compares: Non-Finnish European, 0.002%; no homozygotes.

Submissions (2):

Labcorp Genetics (formerly Invitae), Labcorp
Classification: Uncertain significance for Microcephaly-intellectual disability-sensorineural hearing loss-epilepsy-abnormal muscle tone syndrome. Last evaluated: 2023-12-18. Review status: criteria provided, single submitter. Criteria: Invitae Variant Classification Sherloc (09022015). Collection method: clinical testing. Allele origin: germline.
Comment: This sequence change replaces valine, which is neutral and non-polar, with isoleucine, which is neutral and non-polar, at codon 745 of the SPATA5 protein (p.Val745Ile). This variant is not present in population databases (gnomAD no frequency). This variant has not been reported in the literature in individuals affected with SPATA5-related conditions. ClinVar contains an entry for this variant (Variation ID: 862411). Advanced modeling of protein sequence and biophysical properties (such as structural, functional, and spatial information, amino acid conservation, physicochemical variation, residue mobility, and thermodynamic stability) has been performed at Invitae for this missense variant, however the output from this modeling did not meet the statistical confidence thresholds required to predict the impact of this variant on SPATA5 protein function. In summary, the available evidence is currently insufficient to determine the role of this variant in disease. Therefore, it has been classified as a Variant of Uncertain Significance.

CeGaT Center for Human Genetics Tuebingen
Classification: Uncertain significance. Last evaluated: 2023-06-01. Review status: criteria provided, single submitter. Criteria: CeGaT Center For Human Genetics Tuebingen Variant Classification Criteria Version 2. Collection method: clinical testing. Allele origin: germline. Affected: yes. Observed: 1 variant allele.
Comment: AFG2A: PM2, PP3